The following is an entry in ClinVar:

ClinVar aggregate classification (germline): Uncertain significance. Review status: criteria provided, multiple submitters, no conflicts (2 of 4 stars). 5 submissions from 5 submitters: Uncertain significance (5). Last evaluated 2024-05-24.

Conditions:
Hereditary cancer-predisposing syndrome. Also called: Neoplastic Syndromes, Hereditary; Hereditary neoplastic syndrome; Tumor predisposition; Hereditary Cancer Syndrome. Identifiers: Orphanet 140162, MedGen C0027672, MeSH D009386, MONDO:0015356.
Familial adenomatous polyposis 1 (FAP1). Also called: FAMILIAL ADENOMATOUS POLYPOSIS 1, ATTENUATED; POLYPOSIS, ADENOMATOUS INTESTINAL. Identifiers: MedGen C2713442, MONDO:0021056, OMIM 175100. Disease mechanism: loss of function.

Allele frequency attached by ClinVar (database versions not stated): TOPMed below 0.00001.

Submissions (5):

Ambry Genetics
Classification: Uncertain significance for Hereditary cancer-predisposing syndrome. Last evaluated: 2024-05-24. Review status: criteria provided, single submitter. Criteria: Ambry Variant Classification Scheme 2023. Collection method: clinical testing. Allele origin: germline.
Comment: The p.A2121P variant (also known as c.6361G>C), located in coding exon 15 of the APC gene, results from a G to C substitution at nucleotide position 6361. The alanine at codon 2121 is replaced by proline, an amino acid with highly similar properties. This amino acid position is highly conserved in available vertebrate species. In addition, in silico predictors for this gene do not accurately predict pathogenicity. Based on the available evidence, the clinical significance of this variant remains unclear.

Color Diagnostics, LLC DBA Color Health
Classification: Uncertain significance for Hereditary cancer-predisposing syndrome. Last evaluated: 2023-12-05. Review status: criteria provided, single submitter. Criteria: ACMG Guidelines, 2015. Collection method: clinical testing. Allele origin: germline.
Comment: This missense variant replaces alanine with proline at codon 2121 of the APC protein. Computational prediction is inconclusive regarding the impact of this variant on protein structure and function (internally defined REVEL score threshold 0.5 < inconclusive < 0.7, PMID: 27666373). To our knowledge, functional studies have not been reported for this variant. This variant has not been reported in individuals affected with APC-related disorders in the literature. This variant has not been identified in the general population by the Genome Aggregation Database (gnomAD). The available evidence is insufficient to determine the role of this variant in disease conclusively. Therefore, this variant is classified as a Variant of Uncertain Significance.

Labcorp Genetics (formerly Invitae), Labcorp
Classification: Uncertain significance for Familial adenomatous polyposis 1. Last evaluated: 2023-06-09. Review status: criteria provided, single submitter. Criteria: Invitae Variant Classification Sherloc (09022015). Collection method: clinical testing. Allele origin: germline.
Comment: This sequence change replaces alanine, which is neutral and non-polar, with proline, which is neutral and non-polar, at codon 2121 of the APC protein (p.Ala2121Pro). This variant is not present in population databases (gnomAD no frequency). This variant has not been reported in the literature in individuals affected with APC-related conditions. ClinVar contains an entry for this variant (Variation ID: 619775). Advanced modeling of protein sequence and biophysical properties (such as structural, functional, and spatial information, amino acid conservation, physicochemical variation, residue mobility, and thermodynamic stability) performed at Invitae indicates that this missense variant is not expected to disrupt APC protein function. In summary, the available evidence is currently insufficient to determine the role of this variant in disease. Therefore, it has been classified as a Variant of Uncertain Significance.

GeneDx
Classification: Uncertain significance. Last evaluated: 2021-04-05. Review status: criteria provided, single submitter. Criteria: GeneDx Variant Classification Process June 2021. Collection method: clinical testing. Allele origin: germline. Affected: yes.
Comment: Not observed in large population cohorts (Lek et al., 2016); In silico analysis supports that this missense variant does not alter protein structure/function; Has not been previously published as pathogenic or benign to our knowledge

Quest Diagnostics Nichols Institute San Juan Capistrano
Classification: Uncertain significance. Last evaluated: 2017-11-18. Review status: criteria provided, single submitter. Criteria: Quest Diagnostics criteria. Collection method: clinical testing. Allele origin: germline.

NM_000038.6(APC):c.6361G>C (p.Ala2121Pro)

Gene: APC (APC regulator of Wnt signaling pathway; plus strand). Cytogenetic location: 5q22.2.
Variant type: single nucleotide variant.
Coding change: c.6361G>C on transcript NM_000038.6 (MANE Select); coding-DNA position 6361, G replaced by C.
Protein change: p.Ala2121Pro; replaces alanine 2121 with proline.
Molecular consequence: missense variant.
Genome position (GRCh38, 1-based): chr5:112,841,955, G>C. VCF-style: chr5-112841955-G-C. GRCh37 (hg19) VCF-style: chr5-112177652-G-C.
Other names: c.6361G>C, p.Ala2121Pro (NM_001127510.3, NM_001354895.2); c.6307G>C, p.Ala2103Pro (NM_001127511.3); c.6415G>C, p.Ala2139Pro (NM_001354896.2); c.6391G>C, p.Ala2131Pro (NM_001354897.2); c.6286G>C, p.Ala2096Pro (NM_001354898.2); c.6277G>C, p.Ala2093Pro (NM_001354899.2); c.6238G>C, p.Ala2080Pro (NM_001354900.2); c.6184G>C, p.Ala2062Pro (NM_001354901.2); and 5 more; short protein forms A2103P, A2121P, A1838P, A2030P, A2139P, A1995P, A2020P, A2096P.
Identifiers: ClinVar variation 619775 (VCV000619775.19), dbSNP rs1561606746, ClinGen allele CA16035261.